The following is an entry in ClinVar:

NM_012431.3(SEMA3E):c.5C>G (p.Ala2Gly)

Gene: SEMA3E (semaphorin 3E; minus strand). Cytogenetic location: 7q21.11.
Variant type: single nucleotide variant.
Coding change: c.5C>G on transcript NM_012431.3 (MANE Select); coding-DNA position 5, C replaced by G.
Protein change: p.Ala2Gly; replaces alanine 2 with glycine.
Molecular consequence: missense variant.
Genome position (GRCh38, 1-based): chr7:83,648,538, G>C on the plus strand (C>G on the coding strand, the complement: SEMA3E is on the minus strand). VCF-style: chr7-83648538-G-C. GRCh37 (hg19) VCF-style: chr7-83277854-G-C.
Other names: short protein forms A2G.
Identifiers: ClinVar variation 845637 (VCV000845637.15), dbSNP rs763295904, ClinGen allele CA161742666.

ClinVar aggregate classification (germline): Conflicting classifications of pathogenicity. Review status: criteria provided, conflicting classifications (1 of 4 stars). 4 submissions from 4 submitters: Uncertain significance (2); Likely benign (1). 1 of the submissions does not count toward it. Last evaluated 2026-01-09.

Conditions:
SEMA3E-related disorder. Also called: SEMA3E-related condition.
CHARGE syndrome (CHARGE). Also called: CHARGE ASSOCIATION--COLOBOMA, HEART ANOMALY, CHOANAL ATRESIA, RETARDATION, GENITAL AND EAR ANOMALIES; Coloboma, heart anomaly, choanal atresia, retardation, genital and ear anomalies; CHARGE association; Hall-Hittner syndrome; Hittner Hirsch Kreh syndrome. Identifiers: Orphanet 138, MedGen C0265354, MONDO:0008965.

Allele frequency attached by ClinVar (database versions not stated): gnomAD exomes 0.00001 and 0.00002; gnomAD 0.00003 and 0.00004; TOPMed 0.00003.
gnomAD v4.1: 27 of 1,612,420 alleles (0.0017%); highest among the groups gnomAD compares: African/African-American, 0.0027%; no homozygotes.

Submissions (4):

Labcorp Genetics (formerly Invitae), Labcorp
Classification: Uncertain significance for CHARGE syndrome. Last evaluated: 2026-01-09. Review status: criteria provided, single submitter. Criteria: Invitae Variant Classification Sherloc (09022015). Collection method: clinical testing. Allele origin: germline.
Comment: This sequence change replaces alanine, which is neutral and non-polar, with glycine, which is neutral and non-polar, at codon 2 of the SEMA3E protein (p.Ala2Gly). This variant is present in population databases (rs763295904, gnomAD 0.002%). This variant has not been reported in the literature in individuals affected with SEMA3E-related conditions. ClinVar contains an entry for this variant (Variation ID: 845637). An algorithm developed to predict the effect of missense changes on protein structure and function outputs the following: PolyPhen-2: "Probably Damaging". The glycine amino acid residue is found in multiple mammalian species, which suggests that this missense change does not adversely affect protein function. In summary, the available evidence is currently insufficient to determine the role of this variant in disease. Therefore, it has been classified as a Variant of Uncertain Significance.

Ambry Genetics
Classification: Uncertain significance. Last evaluated: 2025-08-09. Review status: criteria provided, single submitter. Criteria: Ambry Variant Classification Scheme 2023. Collection method: clinical testing. Allele origin: germline.

GeneDx
Classification: Likely benign. Last evaluated: 2021-12-08. Review status: criteria provided, single submitter. Criteria: GeneDx Variant Classification Process June 2021. Collection method: clinical testing. Allele origin: germline. Affected: yes.
Comment: In silico analysis supports that this missense variant does not alter protein structure/function; Has not been previously published as pathogenic or benign to our knowledge

PreventionGenetics, part of Exact Sciences
Classification: Uncertain significance for SEMA3E-related condition. Last evaluated: 2024-06-11. Review status: no assertion criteria provided. Collection method: clinical testing. Allele origin: germline. Not counted in ClinVar's aggregate classification.
Comment: The SEMA3E c.5C>G variant is predicted to result in the amino acid substitution p.Ala2Gly. To our knowledge, this variant has not been reported in the literature. This variant is reported in 0.0018% of alleles in individuals of European (Non-Finnish) descent in gnomAD. At this time, the clinical significance of this variant is uncertain due to the absence of conclusive functional and genetic evidence.